The following is an entry in ClinVar:

ClinVar aggregate classification (germline): Uncertain significance (1 of 4 stars; one submission).

Conditions:
Acute myeloid leukemia (AML). Also called: Leukemia, acute myeloid, somatic; Leukemia, acute myelogenous, somatic; Acute myeloid leukemia, adult; AML adult; Acute non-lymphocytic leukemia; Acute granulocytic leukemia. Identifiers: Orphanet 519, MedGen C0023467, MeSH D015470, MONDO:0018874, OMIM 601626, HP:0004808. Disease mechanism: Constitutively activated FLT3.

Submission:

Labcorp Genetics (formerly Invitae), Labcorp
Classification: Uncertain significance for Acute myeloid leukemia. Last evaluated: 2021-09-18. Review status: criteria provided, single submitter. Criteria: Invitae Variant Classification Sherloc (09022015). Collection method: clinical testing. Allele origin: germline.
Comment: In summary, the available evidence is currently insufficient to determine the role of this variant in disease. Therefore, it has been classified as a Variant of Uncertain Significance. This variant has not been reported in the literature in individuals affected with CEBPA-related conditions. The frequency data for this variant in the population databases is considered unreliable, as metrics indicate insufficient coverage at this position in the ExAC database. This sequence change creates a premature translational stop signal (p.Cys213*) in the CEBPA gene. While this is not anticipated to result in nonsense mediated decay, it is expected to disrupt the last 146 amino acid(s) of the CEBPA protein.

NM_004364.5(CEBPA):c.639C>A (p.Cys213Ter)

Gene: CEBPA (CCAAT enhancer binding protein alpha; minus strand). Cytogenetic location: 19q13.11.
Variant type: single nucleotide variant.
Coding change: c.639C>A on transcript NM_004364.5 (MANE Select); coding-DNA position 639, C replaced by A.
Protein change: p.Cys213Ter; replaces cysteine 213 with a stop codon.
Molecular consequence: nonsense.
Genome position (GRCh38, 1-based): chr19:33,301,776, G>T on the plus strand (C>A on the coding strand, the complement: CEBPA is on the minus strand). VCF-style: chr19-33301776-G-T. GRCh37 (hg19) VCF-style: chr19-33792682-G-T.
Other names: c.282C>A, p.Cys94Ter (NM_001285829.2); c.744C>A, p.Cys248Ter (NM_001287424.2); c.597C>A, p.Cys199Ter (NM_001287435.2); short protein forms C199*, C213*, C248*, C94*.
Identifiers: ClinVar variation 1491343 (VCV001491343.6), dbSNP rs1967174687, ClinGen allele CA405274520.